The following is an entry in ClinVar:

ClinVar aggregate classification (germline): Benign/Likely benign. Review status: criteria provided, multiple submitters, no conflicts (2 of 4 stars). 6 submissions from 6 submitters: Benign (1); Likely benign (5). Last evaluated 2026-01-26.

Conditions:
Hereditary cancer-predisposing syndrome. Also called: Tumor predisposition; Hereditary Cancer Syndrome; Hereditary neoplastic syndrome; Neoplastic Syndromes, Hereditary. Identifiers: Orphanet 140162, MedGen C0027672, MeSH D009386, MONDO:0015356.
POLD1-related polyposis and colorectal cancer syndrome (CRCS10). Also called: Colorectal cancer 10; COLORECTAL CANCER, SUSCEPTIBILITY TO, ON CHROMOSOME 19q; Colorectal cancer, susceptibility to, 10. Identifiers: Orphanet 220460, MedGen C2675481, MONDO:0012953, OMIM 612591.

Allele frequency attached by ClinVar (database versions not stated): gnomAD exomes 0.00001; TOPMed 0.00002; ExAC 0.00003; gnomAD 0.00004.
gnomAD v4.1: 57 of 1,572,498 alleles (0.0036%); highest among the groups gnomAD compares: Non-Finnish European, 0.0041%; no homozygotes.

Submissions (6):

Labcorp Genetics (formerly Invitae), Labcorp
Classification: Likely benign for POLD1-related polyposis and colorectal cancer syndrome. Last evaluated: 2026-01-26. Review status: criteria provided, single submitter. Criteria: Invitae Variant Classification Sherloc (09022015). Collection method: clinical testing. Allele origin: germline.

Myriad Genetics, Inc.
Classification: Benign for POLD1-related polyposis and colorectal cancer syndrome. Last evaluated: 2025-02-04. Review status: criteria provided, single submitter. Criteria: Myriad Autosomal Dominant, Autosomal Recessive and X-Linked Classification Criteria (2023). Collection method: clinical testing. Allele origin: unknown.
Comment: This variant is considered benign. This variant is a silent/synonymous amino acid change and it is not expected to impact splicing.

Women's Health and Genetics/Laboratory Corporation of America, LabCorp
Classification: Likely benign. Last evaluated: 2024-06-16. Review status: criteria provided, single submitter. Criteria: LabCorp Variant Classification Summary - May 2015. Collection method: clinical testing. Allele origin: germline.

GeneDx
Classification: Likely benign. Last evaluated: 2018-03-05. Review status: criteria provided, single submitter. Criteria: GeneDx Variant Classification (06012015). Collection method: clinical testing. Allele origin: germline. Affected: yes.
Comment: This variant is considered likely benign or benign based on one or more of the following criteria: it is a conservative change, it occurs at a poorly conserved position in the protein, it is predicted to be benign by multiple in silico algorithms, and/or has population frequency not consistent with disease.

PreventionGenetics, part of Exact Sciences
Classification: Likely benign. Last evaluated: 2018-01-24. Review status: criteria provided, single submitter. Criteria: ACMG Guidelines, 2015. Collection method: clinical testing. Allele origin: germline.

Ambry Genetics
Classification: Likely benign for Hereditary cancer-predisposing syndrome. Last evaluated: 2015-09-24. Review status: criteria provided, single submitter. Criteria: Ambry Variant Classification Scheme 2023. Collection method: clinical testing. Allele origin: germline.

NM_002691.4(POLD1):c.846G>A (p.Thr282=)

Gene: POLD1 (DNA polymerase delta 1, catalytic subunit; plus strand). Cytogenetic location: 19q13.33.
Variant type: single nucleotide variant.
Coding change: c.846G>A on transcript NM_002691.4 (MANE Select); coding-DNA position 846, G replaced by A.
Protein change: p.Thr282=; no amino-acid change (threonine 282 retained).
Molecular consequence: synonymous variant. On other transcripts: non-coding transcript variant (1).
Genome position (GRCh38, 1-based): chr19:50,402,617, G>A. VCF-style: chr19-50402617-G-A. GRCh37 (hg19) VCF-style: chr19-50905874-G-A.
Other names: c.846G>A, p.Thr282= (NM_001256849.1, NM_001308632.1).
Identifiers: ClinVar variation 484341 (VCV000484341.18), dbSNP rs780498642, ClinGen allele CA9595935.